The following is an entry in ClinVar:

ClinVar aggregate classification (germline): Likely pathogenic (1 of 4 stars; one submission).

Conditions:
Menkes kinky-hair syndrome (MNK). Also called: Copper transport disease; Classic Menkes Disease; Menkes Disease. Identifiers: Orphanet 565, MedGen C0022716, MONDO:0010651, OMIM 309400.

Submission:

Myriad Genetics, Inc.
Classification: Likely pathogenic for Menkes kinky-hair syndrome. Last evaluated: 2022-01-11. Review status: criteria provided, single submitter. Criteria: Myriad Autosomal Dominant, Autosomal Recessive and X-Linked Classification Criteria (2023). Collection method: clinical testing. Allele origin: unknown.
Comment: NM_000052.5(ATP7A):c.3667_3669delTGTinsA(C1223Rfs*12) is expected to be pathogenic in the context of ATP7A-related disorders. This variant is predicted to lead to an abnormal or absent protein product due to the creation of a premature termination codon in ATP7A, a gene where loss-of-function variants are known to be pathogenic. Please note: this variant was assessed in the context of healthy population screening.

NM_000052.7(ATP7A):c.3667_3669delinsA (p.Cys1223fs)

Gene: ATP7A (ATPase copper transporting alpha; plus strand). Cytogenetic location: Xq21.1.
Variant type: Indel.
Coding change: c.3667_3669delinsA on transcript NM_000052.7 (MANE Select); coding-DNA positions 3667 to 3669, TGT replaced by A.
Protein change: p.Cys1223fs; shifts the reading frame from cysteine 1223.
Molecular consequence: frameshift variant. On other transcripts: non-coding transcript variant (1).
Genome position (GRCh38, 1-based): chrX:78,040,599-78,040,601, TGT replaced by A. VCF-style: chrX-78040599-TGT-A. GRCh37 (hg19) VCF-style: chrX-77296097-TGT-A.
Other names: c.3433_3435delinsA, p.Cys1145fs (NM_001282224.2); short protein forms C1145fs, C1223fs.
Identifiers: ClinVar variation 1723931 (VCV001723931.3), dbSNP rs2522414410, ClinGen allele CA2580101989.
Genomic context (GRCh38, chrX:78,040,599, plus strand): 5'-TCTCCTTTCACTATATTCCAAGTTCTTTTATTTTGTGCTGCCCCTATATTAGATGAGCTG[TGT>A]GGCTTGATAGCCATTGCAGACACAGTGAAGCCTGAAGCAGAACTGGCTATCCATATTCTG-3'